The following is an entry in ClinVar:

ClinVar aggregate classification (germline): Likely pathogenic. Review status: criteria provided, multiple submitters, no conflicts (2 of 4 stars). 2 submissions from 2 submitters: Likely pathogenic (2). Last evaluated 2021-08-05.

Conditions:
COL1A2-related disorder. Also called: COL1A2-Related Disorders; COL1A2-related condition.

Submissions (2):

Blueprint Genetics
Classification: Likely pathogenic for COL1A2-related disorders. Last evaluated: 2021-08-05. Review status: criteria provided, single submitter. Criteria: ACMG Guidelines, 2015. Collection method: clinical testing. Allele origin: germline. Affected: yes. Observed: 2 variant alleles.

GeneDx
Classification: Likely pathogenic. Last evaluated: 2019-07-05. Review status: criteria provided, single submitter. Criteria: GeneDx Variant Classification (06012015). Collection method: clinical testing. Allele origin: germline. Affected: yes.
Comment: The c.2533dupG likely pathogenic variant in the COL1A2 gene has not been reported to our knowledge, and it is not been observed in large population cohorts (Lek et al., 2016). The c.2533dupG variant causes a shift in reading frame starting at codon Glutamine 845, changing it to a Glycine, and creating a premature stop codon at position 37 of the new reading frame, denoted p.Glu845GlyfsX37. This variant is expected to result in either an abnormal, truncated protein product or loss of protein from this allele through nonsense-mediated mRNA decay. Biallelic loss-of-function variants in the COL1A2 gene have been reported in association with autosomal recessive cardiovalvular EDS (cvEDS) (Schwarze et al., 2004; Malfait et al., 2006). In at least one reported family, the heterozygous parents were reported to be clinically unaffected (Malfait et al., 2006). Though other nonsense and frameshift variants in the COL1A2 gene have been reported in association with autosomal dominant osteogenesis imperfecta (Stenson et al., 2014), most of those variants are predicted to escape nonsense-mediated mRNA decay and result in an abnormal truncated protein. Thus, the clinical significance of the c.2533dupG variant in the heterozygous state remains to be definitely determined, and the identification of this variant in additional affected heterozygous individuals may assist in further clarifying the role of this variant in autosomal dominant disea

NM_000089.4(COL1A2):c.2533dup (p.Glu845fs)

Gene: COL1A2 (collagen type I alpha 2 chain; plus strand). Cytogenetic location: 7q21.3.
Variant type: Duplication.
Coding change: c.2533dup on transcript NM_000089.4 (MANE Select); coding-DNA position 2533, one base duplicated (G; older notation c.2533dupG).
Protein change: p.Glu845fs; shifts the reading frame from glutamic acid 845.
Molecular consequence: frameshift variant.
Genome position (GRCh38, 1-based): chr7:94,423,086, G duplicated. VCF-style (leftmost placement, unchanged base first): chr7-94423085-T-TG. GRCh37 (hg19) VCF-style: chr7-94052397-T-TG.
Other names: short protein forms E845fs.
Identifiers: ClinVar variation 817096 (VCV000817096.2), dbSNP rs1584328014, ClinGen allele CA915945371.
Genomic context (GRCh38, chr7:94,423,085, plus strand): 5'-CCAAGGTCCAGTTGGCCGAACTGGAGAAGTAGGTGCAGTTGGTCCCCCTGGCTTCGCTGG[T>TG]GAGAAGGGTCCCTCTGGAGAGGCTGGTACTGCTGTAAGTGATTTCCAACTCCTCTTTCTT-3'